The following is an entry in ClinVar:

NM_015665.6(AAAS):c.170C>T (p.Thr57Ile)

Gene: AAAS (aladin WD repeat nucleoporin; minus strand). Cytogenetic location: 12q13.13.
Variant type: single nucleotide variant.
Coding change: c.170C>T on transcript NM_015665.6 (MANE Select); coding-DNA position 170, C replaced by T.
Protein change: p.Thr57Ile; replaces threonine 57 with isoleucine.
Molecular consequence: missense variant.
Genome position (GRCh38, 1-based): chr12:53,320,646, G>A on the plus strand (C>T on the coding strand, the complement: AAAS is on the minus strand). VCF-style: chr12-53320646-G-A. GRCh37 (hg19) VCF-style: chr12-53714430-G-A.
Other names: p.Thr57Ile; c.170C>T, p.Thr57Ile (NM_001173466.2); short protein forms T57I.
Identifiers: ClinVar variation 1343674 (VCV001343674.2), dbSNP rs773065657, ClinGen allele CA6599322.
Genomic context (GRCh38, chr12:53,320,646, plus strand): 5'-CACACTTGCTCCCGGTGATGGATGAAGGCAGTTCTTGTGCCATGGTCCAGCCTTCCAGGG[G>A]TCTTTAGGGGATCCTTTGTCAGTTGTAGGACAGGAAGATTGATCCACTATAGCACAAAAG-3'
Protein context (NP_056480.1, residues 47-67): VLQLTKDPLK[Thr57Ile]PGRLDHGTRT

ClinVar aggregate classification (germline): Uncertain significance. Review status: criteria provided, multiple submitters, no conflicts (2 of 4 stars). 2 submissions from 2 submitters: Uncertain significance (2). Last evaluated 2025-11-08.

Allele frequency attached by ClinVar (database versions not stated): ExAC 0.00001.

Submissions (2):

Mayo Clinic Laboratories, Mayo Clinic
Classification: Uncertain significance. Last evaluated: 2025-11-08. Review status: criteria provided, single submitter. Criteria: ACMG Guidelines, 2015. Collection method: clinical testing. Allele origin: germline. Observed: 1 variant allele.
Comment: BP4_moderate

Women's Health and Genetics/Laboratory Corporation of America, LabCorp
Classification: Uncertain significance. Last evaluated: 2022-02-18. Review status: criteria provided, single submitter. Criteria: LabCorp Variant Classification Summary - May 2015. Collection method: clinical testing. Allele origin: germline.